The following is an entry in ClinVar:

ClinVar aggregate classification (germline): Likely pathogenic (1 of 4 stars; one submission).

Conditions:
Hereditary cancer-predisposing syndrome. Also called: Tumor predisposition; Hereditary Cancer Syndrome; Hereditary neoplastic syndrome; Neoplastic Syndromes, Hereditary. Identifiers: Orphanet 140162, MedGen C0027672, MeSH D009386, MONDO:0015356.

Submission:

Ambry Genetics
Classification: Likely pathogenic for Hereditary cancer-predisposing syndrome. Last evaluated: 2024-04-03. Review status: criteria provided, single submitter. Criteria: Ambry Variant Classification Scheme 2023. Collection method: clinical testing. Allele origin: germline.
Comment: The c.964A>G variant (also known as p.R322G), located in coding exon 7 of the RAD51C gene, results from an A to G substitution at nucleotide position 964. The arginine at codon 322 is replaced by glycine, an amino acid with dissimilar properties. This nucleotide position is highly conserved in available vertebrate species. In silico splice site analysis predicts that this alteration will weaken the native splice donor site. RNA studies have demonstrated that this alteration results in abnormal splicing in the set of samples tested (Ambry internal data). Based on the majority of available evidence to date, this variant is likely to be pathogenic.

NM_058216.3(RAD51C):c.964A>G (p.Arg322Gly)

Gene: RAD51C (RAD51 paralog C; plus strand). Cytogenetic location: 17q22.
Variant type: single nucleotide variant.
Coding change: c.964A>G on transcript NM_058216.3 (MANE Select); coding-DNA position 964, A replaced by G.
Protein change: p.Arg322Gly; replaces arginine 322 with glycine.
Molecular consequence: missense variant. On other transcripts: non-coding transcript variant (1).
Genome position (GRCh38, 1-based): chr17:58,724,099, A>G. VCF-style: chr17-58724099-A-G. GRCh37 (hg19) VCF-style: chr17-56801460-A-G.
Other names: c.*392A>G (NM_058217.1); short protein forms R322G.
Identifiers: ClinVar variation 2625136 (VCV002625136.3), dbSNP rs864622343, ClinGen allele CA400361615.